The following is an entry in ClinVar:

ClinVar aggregate classification (germline): Uncertain significance (1 of 4 stars; one submission).

Conditions:
Loeys-Dietz syndrome (LDS). Identifiers: Orphanet 60030, MedGen C2697932, MONDO:0018954.

Submission:

Women's Health and Genetics/Laboratory Corporation of America, LabCorp
Classification: Uncertain significance for Loeys-Dietz Syndrome. Last evaluated: 2011-08-18. Review status: criteria provided, single submitter. Criteria: LabCorp Variant Classification Summary - May 2015. Collection method: curation. Allele origin: germline. Inheritance: autosomal unknown. Affected: yes.
ClinVar note: Converted during submission from uncertain to Uncertain significance.

NM_004612.4(TGFBR1):c.344-74del

Gene: TGFBR1 (transforming growth factor beta receptor 1; plus strand). Cytogenetic location: 9q22.33.
Variant type: Deletion.
Coding change: c.344-74del on transcript NM_004612.4 (MANE Select); 74 bases into the intron before coding-DNA position 344, one base deleted (T; older notation c.344-74delT).
Molecular consequence: intron variant.
Genome position (GRCh38, 1-based): chr9:99,132,435, T deleted; the last of 2 consecutive T bases (chr9:99,132,434-99,132,435); deleting either gives the same sequence. VCF-style (leftmost placement, unchanged base first): chr9-99132433-AT-A. GRCh37 (hg19) VCF-style: chr9-101894715-AT-A.
Other names: c.344-62del (NM_001306210.2); c.343+3335del (NM_001130916.3); c.344-74delT (NM_004612.2).
Identifiers: ClinVar variation 36858 (VCV000036858.3), dbSNP rs193922675, ClinGen allele CA008801.